The following is an entry in ClinVar:

ClinVar aggregate classification (germline): Conflicting classifications of pathogenicity. Review status: criteria provided, conflicting classifications (1 of 4 stars). 2 submissions from 2 submitters: Uncertain significance (1); Likely benign (1). Last evaluated 2025-12-02.

Allele frequency attached by ClinVar (database versions not stated): ExAC 0.00001; gnomAD exomes 0.00001; gnomAD 0.00002; TOPMed 0.00002.
gnomAD v4.1: 17 of 1,614,104 alleles (0.0011%); highest among the groups gnomAD compares: Non-Finnish European, 0.0014%; no homozygotes.

Submissions (2):

Labcorp Genetics (formerly Invitae), Labcorp
Classification: Uncertain significance. Last evaluated: 2025-12-02. Review status: criteria provided, single submitter. Criteria: Invitae Variant Classification Sherloc (09022015). Collection method: clinical testing. Allele origin: germline.
Comment: This sequence change replaces alanine, which is neutral and non-polar, with proline, which is neutral and non-polar, at codon 960 of the ARHGEF10 protein (p.Ala960Pro). This variant is present in population databases (rs766536002, gnomAD 0.002%). This variant has not been reported in the literature in individuals affected with ARHGEF10-related conditions. ClinVar contains an entry for this variant (Variation ID: 1505109). Invitae Evidence Modeling of protein sequence and biophysical properties (such as structural, functional, and spatial information, amino acid conservation, physicochemical variation, residue mobility, and thermodynamic stability) indicates that this missense variant is not expected to disrupt ARHGEF10 protein function with a negative predictive value of 80%. In summary, the available evidence is currently insufficient to determine the role of this variant in disease. Therefore, it has been classified as a Variant of Uncertain Significance.

CeGaT Center for Human Genetics Tuebingen
Classification: Likely benign. Last evaluated: 2025-08-01. Review status: criteria provided, single submitter. Criteria: CeGaT Center For Human Genetics Tuebingen Variant Classification Criteria Version 2. Collection method: clinical testing. Allele origin: germline. Affected: yes. Observed: 2 variant alleles.
Comment: ARHGEF10: BP4

NM_014629.4(ARHGEF10):c.2878G>C (p.Ala960Pro)

Gene: ARHGEF10 (Rho guanine nucleotide exchange factor 10; plus strand). Cytogenetic location: 8p23.3.
Variant type: single nucleotide variant.
Coding change: c.2878G>C on transcript NM_014629.4 (MANE Select); coding-DNA position 2878, G replaced by C.
Protein change: p.Ala960Pro; replaces alanine 960 with proline.
Molecular consequence: missense variant.
Genome position (GRCh38, 1-based): chr8:1,928,607, G>C. VCF-style: chr8-1928607-G-C. GRCh37 (hg19) VCF-style: chr8-1876773-G-C.
Other names: c.2764G>C, p.Ala922Pro (NM_001308152.2); c.2878G>C, p.Ala960Pro (NM_001308153.3); short protein forms A984P, A922P, A960P.
Identifiers: ClinVar variation 1505109 (VCV001505109.29), dbSNP rs766536002, ClinGen allele CA4601098.